The following is an entry in ClinVar:

NM_000094.4(COL7A1):c.1634A>C (p.Gln545Pro)

Gene: COL7A1 (collagen type VII alpha 1 chain; minus strand). Cytogenetic location: 3p21.31.
Variant type: single nucleotide variant.
Coding change: c.1634A>C on transcript NM_000094.4 (MANE Select); coding-DNA position 1634, A replaced by C.
Protein change: p.Gln545Pro; replaces glutamine 545 with proline.
Molecular consequence: missense variant.
Genome position (GRCh38, 1-based): chr3:48,591,466, T>G on the plus strand (A>C on the coding strand, the complement: COL7A1 is on the minus strand). VCF-style: chr3-48591466-T-G. GRCh37 (hg19) VCF-style: chr3-48628899-T-G.
Other names: p.Gln545Pro; short protein forms Q545P.
Identifiers: ClinVar variation 3379465 (VCV003379465.1).

ClinVar aggregate classification (germline): Uncertain significance (1 of 4 stars; one submission).

gnomAD v4.1: 16 of 1,613,336 alleles (0.00099%); highest among the groups gnomAD compares: Non-Finnish European, 0.0013%; no homozygotes.

Submission:

Mayo Clinic Laboratories, Mayo Clinic
Classification: Uncertain significance. Last evaluated: 2024-05-29. Review status: criteria provided, single submitter. Criteria: ACMG Guidelines, 2015. Collection method: clinical testing. Allele origin: germline. Observed: 1 variant allele.
Comment: BP4